The following is an entry in ClinVar:

NM_206836.3(ECI2):c.854del (p.Tyr285fs)

Genes: C6orf201 (chromosome 6 open reading frame 201; plus strand), ECI2 (enoyl-CoA delta isomerase 2; minus strand). Cytogenetic location: 6p25.2.
Variant type: Deletion.
Coding change: c.854del on transcript NM_206836.3 (MANE Select); coding-DNA position 854, one base deleted (A; older notation c.854delA).
Protein change: p.Tyr285fs; shifts the reading frame from tyrosine 285.
Molecular consequence: frameshift variant. On other transcripts: non-coding transcript variant (1).
Genome position (GRCh38, 1-based): chr6:4,119,217, T deleted on the plus strand (A on the coding strand, the reverse complement: ECI2 is on the minus strand). VCF-style (leftmost placement, unchanged base first): chr6-4119216-GT-G. GRCh37 (hg19) VCF-style: chr6-4119450-GT-G.
Other names: c.764del, p.Tyr255fs (NM_001166010.2, NM_006117.3); short protein forms Y255fs, Y285fs.
Identifiers: ClinVar variation 4857179 (VCV004857179.1).
Genomic context (GRCh38, chr6:4,119,216, plus strand): 5'-AATTTTATATTTAAACATTCCAAAAGTTACCTTGGCTGGGCTCATTATCTTCGGAAAAGT[GT>G]AAGAGGAGCATCCTTCCGGACTTTGGCCTAGGTGACTAAATGGTGTATGAAATGTTGCCT-3'

ClinVar aggregate classification (germline): Likely pathogenic (0 of 4 stars; one submission).

Conditions:
Familial hypercholesterolemia. Also called: Familial hypercholesterolemias; Familial hypercholesterolaemia. Identifiers: MedGen C0020445, MONDO:0005439.

Submission:

Research Laboratories, P. D. Hinduja Hospital & MRC
Classification: Likely pathogenic for Familial hypercholesterolemia. Last evaluated: 2026-06-08. Review status: no assertion criteria provided. Collection method: research. Allele origin: germline. Affected: yes. Observed: 1 variant allele, 1 heterozygote.
Comment: This variant was identified as part of the ICMR-funded project (Ref No. 2020-3881). A frameshift deletion in ECI2 (NM_206836.3), exon 9: c.854del, predicted to cause a frameshift beginning at codon 285 and resulting in a premature termination codon downstream. To our knowledge, functional studies specific to this variant have not been reported. This variant has not been described in individuals with Familial Hypercholesterolemia (FH) in the literature; however, the ECI2 gene is associated with lipid metabolism according to the LIPID MAPS Proteome Database (LMPD). Computational predictions using MutationTaster and PolyPhen-2 suggest that this variant is likely deleterious and possibly damaging to protein function (GRCh38).